The following is an entry in ClinVar:

ClinVar aggregate classification (germline): Likely benign (1 of 4 stars; one submission).

Allele frequency attached by ClinVar (database versions not stated): TOPMed 0.00001.
gnomAD v4.1: 11 of 1,613,970 alleles (0.00068%); highest among the groups gnomAD compares: African/African-American, 0.0027%; no homozygotes.

Submission:

Laboratory for Molecular Medicine, Mass General Brigham Personalized Medicine
Classification: Likely benign. Last evaluated: 2017-08-23. Review status: criteria provided, single submitter. Criteria: LMM Criteria. Collection method: clinical testing. Allele origin: germline. Observed: 1 variant allele.
Comment: p.Ser1786Ser in exon 12 of TRIOBP: This variant is not expected to have clinical significance because it does not alter an amino acid residue and is not located within the splice consensus sequence. It has been identified in 1/10352 African chromosomes by the Exome Aggregation Consortium (ExAC; dbSNP rs139435527).

NM_001039141.3(TRIOBP):c.5358G>A (p.Ser1786=)

Genes: TRIOBP (TRIO and F-actin binding protein; plus strand), LOC126863144 (CDK7 strongly-dependent group 2 enhancer GRCh37_chr22:38147547-38148746; plus strand). Cytogenetic location: 22q13.1.
Variant type: single nucleotide variant.
Coding change: c.5358G>A on transcript NM_001039141.3 (MANE Select); coding-DNA position 5358, G replaced by A.
Protein change: p.Ser1786=; no amino-acid change (serine 1786 retained).
Molecular consequence: synonymous variant.
Genome position (GRCh38, 1-based): chr22:37,751,807, G>A. VCF-style: chr22-37751807-G-A. GRCh37 (hg19) VCF-style: chr22-38147814-G-A.
Other names: c.219G>A, p.Ser73= (NM_007032.5, NM_138632.2).
Identifiers: ClinVar variation 930053 (VCV000930053.4), dbSNP rs139435527, ClinGen allele CA10224649.
Genomic context (GRCh38, chr22:37,751,807, plus strand): 5'-CACCTCCCTCCTCATCTCCCCACAGCCCGATCTGCTCAACTTCAAGAAGGGATGGATGTC[G>A]ATCTTGGACGAGCCTGGAGAGGTAAGAGGACTGAGGCCGGAGGGGAGGAAGCTGGCTTGT-3'
Protein context (NP_001034230.1, residues 1776-1796): DLLNFKKGWM[Ser1786=]ILDEPGEPPS